The following is an entry in ClinVar:

ClinVar aggregate classification (germline): Uncertain significance (1 of 4 stars; one submission).

Conditions:
Cardiomyopathy (CMYO). Also called: Cardiomyopathies. Identifiers: Orphanet 167848, MedGen C0878544, MONDO:0004994, HP:0001638. Inheritance: Various modes of inheritance.

Submission:

All of Us Research Program, National Institutes of Health
Classification: Uncertain significance for Cardiomyopathy. Last evaluated: 2024-01-11. Review status: criteria provided, single submitter. Criteria: ACMG Guidelines, 2015. Collection method: clinical testing. Allele origin: germline. Inheritance: Autosomal dominant inheritance. Observed: 1 variant allele, 1 heterozygote.
Comment: This study involves interpretation of variants in research participants for the purpose of population health screening. Participant phenotype was not available at the time of variant classification. Additional details can be found in publication PMID: 35346344, PMCID: PMC8962531

NM_001276345.2(TNNT2):c.419G>T (p.Arg140Leu)

Gene: TNNT2 (troponin T2, cardiac type; minus strand). Cytogenetic location: 1q32.1.
Variant type: single nucleotide variant.
Coding change: c.419G>T on transcript NM_001276345.2 (MANE Select); coding-DNA position 419, G replaced by T.
Protein change: p.Arg140Leu; replaces arginine 140 with leucine.
Molecular consequence: missense variant.
Genome position (GRCh38, 1-based): chr1:201,364,368, C>A on the plus strand (G>T on the coding strand, the complement: TNNT2 is on the minus strand). VCF-style: chr1-201364368-C-A. GRCh37 (hg19) VCF-style: chr1-201333496-C-A.
Other names: c.419G>T, p.Arg140Leu (NM_000364.4, NM_001406723.1); c.389G>T, p.Arg130Leu (NM_001001430.3, NM_001001431.3, NM_001276347.2 and 3 more transcripts); c.374G>T, p.Arg125Leu (NM_001001432.3, NM_001406728.1); c.299G>T, p.Arg100Leu (NM_001276346.2); c.386G>T, p.Arg129Leu (NM_001406725.1); short protein forms R100L, R125L, R129L, R130L, R140L.
Identifiers: ClinVar variation 3075379 (VCV003075379.1), dbSNP rs1339922051, ClinGen allele CA344205956.